The following is an entry in ClinVar:

ClinVar aggregate classification (germline): Likely pathogenic (1 of 4 stars; one submission).

Allele frequency attached by ClinVar (database versions not stated): gnomAD exomes 0.00002.
gnomAD v4.1: 16 of 1,614,204 alleles (0.00099%); highest among the groups gnomAD compares: Non-Finnish European, 0.0012%; no homozygotes.

Submission:

Labcorp Genetics (formerly Invitae), Labcorp
Classification: Likely pathogenic. Last evaluated: 2022-08-01. Review status: criteria provided, single submitter. Criteria: Invitae Variant Classification Sherloc (09022015). Collection method: clinical testing. Allele origin: germline.
Comment: In summary, the currently available evidence indicates that the variant is pathogenic, but additional data are needed to prove that conclusively. Therefore, this variant has been classified as Likely Pathogenic. Algorithms developed to predict the effect of sequence changes on RNA splicing suggest that this variant may disrupt the consensus splice site. Disruption of this splice site has been observed in individual(s) with autosomal recessive factor XI (FXI) deficiency (PMID: 27067486). This variant is present in population databases (no rsID available, gnomAD 0.0009%). This sequence change affects a donor splice site in intron 5 of the F11 gene. It is expected to disrupt RNA splicing. Variants that disrupt the donor or acceptor splice site typically lead to a loss of protein function (PMID: 16199547), and loss-of-function variants in F11 are known to be pathogenic (PMID: 23929304).

Literature cited by the submitters: PubMed 27067486; PubMed 16199547; PubMed 23929304.

NM_000128.4(F11):c.485+2T>C

Gene: F11 (coagulation factor XI; plus strand). Cytogenetic location: 4q35.2.
Variant type: single nucleotide variant.
Coding change: c.485+2T>C on transcript NM_000128.4 (MANE Select); the canonical splice donor site of the intron after coding-DNA position 485, T replaced by C.
Molecular consequence: splice donor variant. On other transcripts: stop lost (1).
Genome position (GRCh38, 1-based): chr4:186,274,277, T>C. VCF-style: chr4-186274277-T-C. GRCh37 (hg19) VCF-style: chr4-187195431-T-C.
Other names: c.487T>C, p.Ter163Arg (NM_001354804.2).
Identifiers: ClinVar variation 2184155 (VCV002184155.4), dbSNP rs1464239583, ClinGen allele CA358958753.
Genomic context (GRCh38, chr4:186,274,277, plus strand): 5'-GACGTCCACTGCCACTTTTTCACGTACGCCACAAGGCAGTTTCCCAGCCTGGAGCATCGG[T>C]GAGTGAGTCCCAGGACATTCGAGTGGTCGATGAAAAACAGAATCGTGATTTACTAAAAAG-3'